The following is an entry in ClinVar:

NM_003482.4(KMT2D):c.2720C>T (p.Pro907Leu)

Gene: KMT2D (lysine methyltransferase 2D; minus strand). Cytogenetic location: 12q13.12.
Variant type: single nucleotide variant.
Coding change: c.2720C>T on transcript NM_003482.4 (MANE Select); coding-DNA position 2720, C replaced by T.
Protein change: p.Pro907Leu; replaces proline 907 with leucine.
Molecular consequence: missense variant.
Genome position (GRCh38, 1-based): chr12:49,050,963, G>A on the plus strand (C>T on the coding strand, the complement: KMT2D is on the minus strand). VCF-style: chr12-49050963-G-A. GRCh37 (hg19) VCF-style: chr12-49444746-G-A.
Other names: short protein forms P907L.
Identifiers: ClinVar variation 3632952 (VCV003632952.2).

ClinVar aggregate classification (germline): Uncertain significance (1 of 4 stars; one submission).

Conditions:
Kabuki syndrome. Also called: Kabuki make-up syndrome; NIIKAWA-KUROKI SYNDROME. Identifiers: Orphanet 2322, MedGen C0796004, MONDO:0016512.

gnomAD v4.1: 1 of 1,559,718 alleles (0.000064%); highest among the groups gnomAD compares: African/African-American, 0.0014%; no homozygotes.

Submission:

Labcorp Genetics (formerly Invitae), Labcorp
Classification: Uncertain significance for Kabuki syndrome. Last evaluated: 2024-02-20. Review status: criteria provided, single submitter. Criteria: Invitae Variant Classification Sherloc (09022015). Collection method: clinical testing. Allele origin: germline.
Comment: This sequence change replaces proline, which is neutral and non-polar, with leucine, which is neutral and non-polar, at codon 907 of the KMT2D protein (p.Pro907Leu). This variant is not present in population databases (gnomAD no frequency). This variant has not been reported in the literature in individuals affected with KMT2D-related conditions. Advanced modeling of protein sequence and biophysical properties (such as structural, functional, and spatial information, amino acid conservation, physicochemical variation, residue mobility, and thermodynamic stability) performed at Invitae indicates that this missense variant is not expected to disrupt KMT2D protein function with a negative predictive value of 95%. In summary, the available evidence is currently insufficient to determine the role of this variant in disease. Therefore, it has been classified as a Variant of Uncertain Significance.